The following is an entry in ClinVar:

NM_001844.5(COL2A1):c.717G>C (p.Met239Ile)

Gene: COL2A1 (collagen type II alpha 1 chain; minus strand). Cytogenetic location: 12q13.11.
Variant type: single nucleotide variant.
Coding change: c.717G>C on transcript NM_001844.5 (MANE Select); coding-DNA position 717, G replaced by C.
Protein change: p.Met239Ile; replaces methionine 239 with isoleucine.
Molecular consequence: missense variant.
Genome position (GRCh38, 1-based): chr12:47,995,300, C>G on the plus strand (G>C on the coding strand, the complement: COL2A1 is on the minus strand). VCF-style: chr12-47995300-C-G. GRCh37 (hg19) VCF-style: chr12-48389083-C-G.
Other names: c.510G>C, p.Met170Ile (NM_033150.3); short protein forms M170I, M239I.
Identifiers: ClinVar variation 2078933 (VCV002078933.4), dbSNP rs2540172916, ClinGen allele CA384523408.

ClinVar aggregate classification (germline): Uncertain significance (1 of 4 stars; one submission).

Submission:

Labcorp Genetics (formerly Invitae), Labcorp
Classification: Uncertain significance. Last evaluated: 2022-01-11. Review status: criteria provided, single submitter. Criteria: Invitae Variant Classification Sherloc (09022015). Collection method: clinical testing. Allele origin: germline.
Comment: In summary, the available evidence is currently insufficient to determine the role of this variant in disease. Therefore, it has been classified as a Variant of Uncertain Significance. This sequence change replaces methionine, which is neutral and non-polar, with isoleucine, which is neutral and non-polar, at codon 239 of the COL2A1 protein (p.Met239Ile). This variant is not present in population databases (gnomAD no frequency). This variant has not been reported in the literature in individuals affected with COL2A1-related conditions. Advanced modeling of protein sequence and biophysical properties (such as structural, functional, and spatial information, amino acid conservation, physicochemical variation, residue mobility, and thermodynamic stability) performed at Invitae indicates that this missense variant is not expected to disrupt COL2A1 protein function.